The following is an entry in ClinVar:

NM_000075.4(CDK4):c.684-8C>T

Genes: CDK4 (cyclin dependent kinase 4; minus strand), TSPAN31 (tetraspanin 31; plus strand). Cytogenetic location: 12q14.1.
Variant type: single nucleotide variant.
Coding change: c.684-8C>T on transcript NM_000075.4 (MANE Select); 8 bases into the intron before coding-DNA position 684, C replaced by T.
Molecular consequence: intron variant. On other transcripts: 3 prime UTR variant (3).
Genome position (GRCh38, 1-based): chr12:57,749,325, G>A on the plus strand (C>T on the coding strand, the complement: CDK4 is on the minus strand). VCF-style: chr12-57749325-G-A. GRCh37 (hg19) VCF-style: chr12-58143108-G-A.
Other names: c.*2035G>A (NM_001330168.2, NM_001330169.2, NM_005981.5).
Identifiers: ClinVar variation 1655861 (VCV001655861.9), dbSNP rs2140383220, ClinGen allele CA2573148904.
Genomic context (GRCh38, chr12:57,749,325, plus strand): 5'-GGGGCAGGGATACATCTCGAGGCCAGTCATCCTCTGGAGGCAGCCCAATCAGGCTGTGGG[G>A]GACAGGAGAACTCTGGTCAGGAGGGTCCTCCAGTTCCCATCCCCATGGGCAGAGCCAGTT-3'

ClinVar aggregate classification (germline): Likely benign. Review status: criteria provided, multiple submitters, no conflicts (2 of 4 stars). 2 submissions from 2 submitters: Likely benign (2). Last evaluated 2024-09-26.

Conditions:
Familial melanoma. Also called: Hereditary melanoma; Hereditary cutaneous melanoma. Identifiers: Orphanet 618, MedGen C1512419, MONDO:0018961.
Melanoma, cutaneous malignant, susceptibility to, 3. Also called: Cutaneous malignant melanoma 3. Identifiers: Orphanet 618, MedGen C1836892, MONDO:0012183, OMIM 609048.

Allele frequency attached by ClinVar (database versions not stated): gnomAD exomes below 0.00001.
gnomAD v4.1: 1 of 1,614,164 alleles (0.000062%); highest among the groups gnomAD compares: East Asian, 0.0022%; no homozygotes.

Submissions (2):

Myriad Genetics, Inc.
Classification: Likely benign for Melanoma, cutaneous malignant, susceptibility to, 3. Last evaluated: 2024-09-26. Review status: criteria provided, single submitter. Criteria: Myriad Autosomal Dominant, Autosomal Recessive and X-Linked Classification Criteria (2023). Collection method: clinical testing. Allele origin: unknown.
Comment: This variant is considered likely benign. This variant is intronic and is not expected to impact mRNA splicing.

Labcorp Genetics (formerly Invitae), Labcorp
Classification: Likely benign for Familial melanoma. Last evaluated: 2020-11-25. Review status: criteria provided, single submitter. Criteria: Invitae Variant Classification Sherloc (09022015). Collection method: clinical testing. Allele origin: germline.